The following is an entry in ClinVar:

NM_001040142.2(SCN2A):c.1725G>A (p.Ala575=)

Gene: SCN2A (sodium voltage-gated channel alpha subunit 2; plus strand). Cytogenetic location: 2q24.3.
Variant type: single nucleotide variant.
Coding change: c.1725G>A on transcript NM_001040142.2 (MANE Select); coding-DNA position 1725, G replaced by A.
Protein change: p.Ala575=; no amino-acid change (alanine 575 retained).
Molecular consequence: synonymous variant.
Genome position (GRCh38, 1-based): chr2:165,323,209, G>A. VCF-style: chr2-165323209-G-A. GRCh37 (hg19) VCF-style: chr2-166179719-G-A.
Other names: c.1725G>A, p.Ala575= (NM_001040143.2, NM_001371246.1, NM_001371247.1 and 1 more transcripts).
Identifiers: ClinVar variation 212122 (VCV000212122.39), dbSNP rs543538780, ClinGen allele CA206885.

ClinVar aggregate classification (germline): Benign/Likely benign. Review status: criteria provided, multiple submitters, no conflicts (2 of 4 stars). 7 submissions from 7 submitters: Benign (3); Likely benign (4). Last evaluated 2026-02-02.

Conditions:
Inborn genetic diseases. Identifiers: MedGen C0950123, MeSH D030342.
Developmental and epileptic encephalopathy, 11 (DEE11). Also called: Early infantile epileptic encephalopathy 11. Identifiers: Orphanet 1934, MedGen C3150987, MONDO:0013388, OMIM 613721.
Seizures, benign familial infantile, 3 (BFIS3). Also called: CONVULSIONS, BENIGN FAMILIAL INFANTILE, 3; Familial neonatal seizures. Identifiers: Orphanet 140927, Orphanet 306, MedGen C1843140, MONDO:0011904, OMIM 607745.

Allele frequency attached by ClinVar (database versions not stated): gnomAD 0.00008 and 0.00015; TOPMed 0.00008; gnomAD exomes 0.00069; ExAC 0.00084; 1000 Genomes Project 30x 0.00094; 1000 Genomes Project 0.00100.
gnomAD v4.1: 529 of 1,614,144 alleles (0.033%); highest among the groups gnomAD compares: South Asian, 0.47%; 6 homozygotes.

Submissions (7):

Labcorp Genetics (formerly Invitae), Labcorp
Classification: Benign for Seizures, benign familial infantile, 3; Developmental and epileptic encephalopathy, 11. Last evaluated: 2026-02-02. Review status: criteria provided, single submitter. Criteria: Invitae Variant Classification Sherloc (09022015). Collection method: clinical testing. Allele origin: germline.

CeGaT Center for Human Genetics Tuebingen
Classification: Likely benign. Last evaluated: 2025-11-01. Review status: criteria provided, single submitter. Criteria: CeGaT Center For Human Genetics Tuebingen Variant Classification Criteria Version 2. Collection method: clinical testing. Allele origin: germline. Affected: yes. Observed: 2 variant alleles.
Comment: SCN2A: BP4, BP7

Blueprint Genetics
Classification: Likely benign. Last evaluated: 2024-11-15. Review status: criteria provided, single submitter. Criteria: ACMG Guidelines, 2015. Collection method: clinical testing. Allele origin: germline.

Illumina Laboratory Services, Illumina
Classification: Likely benign for Seizures, benign familial infantile, 3. Last evaluated: 2017-04-27. Review status: criteria provided, single submitter. Criteria: ICSL Variant Classification Criteria 13 December 2019. Collection method: clinical testing. Allele origin: germline.
Comment: This variant was observed as part of a predisposition screen in an ostensibly healthy population. A literature search was performed for the gene, cDNA change, and amino acid change (where applicable). No publications were found based on this search. Allele frequency data from public databases allowed determination this variant is unlikely to cause disease. Therefore, this variant is classified as likely benign.

Ambry Genetics
Classification: Likely benign for Inborn genetic diseases. Last evaluated: 2017-01-19. Review status: criteria provided, single submitter. Criteria: Ambry Variant Classification Scheme 2023. Collection method: clinical testing. Allele origin: germline.

Genetic Services Laboratory, University of Chicago
Classification: Benign. Last evaluated: 2016-08-05. Review status: criteria provided, single submitter. Criteria: ACMG Guidelines, 2015. Collection method: clinical testing. Allele origin: germline. Affected: no.

GeneDx
Classification: Benign. Last evaluated: 2015-03-19. Review status: criteria provided, single submitter. Criteria: GeneDx Variant Classification (06012015). Collection method: clinical testing. Allele origin: germline. Affected: yes.
Comment: This variant is considered likely benign or benign based on one or more of the following criteria: it is a conservative change, it occurs at a poorly conserved position in the protein, it is predicted to be benign by multiple in silico algorithms, and/or has population frequency not consistent with disease.